The following is an entry in ClinVar:

ClinVar aggregate classification (germline): Conflicting classifications of pathogenicity. Review status: criteria provided, conflicting classifications (1 of 4 stars). 2 submissions from 2 submitters: Uncertain significance (1); Likely benign (1). Last evaluated 2024-09-24.

Allele frequency attached by ClinVar (database versions not stated): gnomAD 0.00001; gnomAD exomes 0.00002; TOPMed 0.00002; ExAC 0.00003.
gnomAD v4.1: 29 of 1,614,006 alleles (0.0018%); highest among the groups gnomAD compares: South Asian, 0.0044%; no homozygotes.

Submissions (2):

Blueprint Genetics
Classification: Likely benign. Last evaluated: 2024-09-24. Review status: criteria provided, single submitter. Criteria: ACMG Guidelines, 2015. Collection method: clinical testing. Allele origin: germline.

Labcorp Genetics (formerly Invitae), Labcorp
Classification: Uncertain significance. Last evaluated: 2023-10-29. Review status: criteria provided, single submitter. Criteria: Invitae Variant Classification Sherloc (09022015). Collection method: clinical testing. Allele origin: germline.
Comment: This sequence change replaces methionine, which is neutral and non-polar, with leucine, which is neutral and non-polar, at codon 55 of the EFTUD2 protein (p.Met55Leu). This variant is present in population databases (rs201643401, gnomAD 0.04%). This variant has not been reported in the literature in individuals affected with EFTUD2-related conditions. An algorithm developed to predict the effect of missense changes on protein structure and function (PolyPhen-2) suggests that this variant is likely to be tolerated. In summary, the available evidence is currently insufficient to determine the role of this variant in disease. Therefore, it has been classified as a Variant of Uncertain Significance.

NM_004247.4(EFTUD2):c.163A>T (p.Met55Leu)

Gene: EFTUD2 (elongation factor Tu GTP binding domain containing 2; minus strand). Cytogenetic location: 17q21.31.
Variant type: single nucleotide variant.
Coding change: c.163A>T on transcript NM_004247.4 (MANE Select); coding-DNA position 163, A replaced by T.
Protein change: p.Met55Leu; replaces methionine 55 with leucine.
Molecular consequence: missense variant.
Genome position (GRCh38, 1-based): chr17:44,886,693, T>A on the plus strand (A>T on the coding strand, the complement: EFTUD2 is on the minus strand). VCF-style: chr17-44886693-T-A. GRCh37 (hg19) VCF-style: chr17-42964061-T-A.
Other names: c.58A>T, p.Met20Leu (NM_001142605.2); c.163A>T, p.Met55Leu (NM_001258353.2, NM_001258354.2); short protein forms M20L, M55L.
Identifiers: ClinVar variation 3023448 (VCV003023448.4), dbSNP rs201643401, ClinGen allele CA8608180.